The following is an entry in ClinVar:

ClinVar aggregate classification (germline): Uncertain significance (1 of 4 stars; one submission).

Conditions:
Hereditary cancer-predisposing syndrome. Also called: Hereditary neoplastic syndrome; Hereditary Cancer Syndrome; Neoplastic Syndromes, Hereditary; Tumor predisposition. Identifiers: Orphanet 140162, MedGen C0027672, MeSH D009386, MONDO:0015356.

Submission:

Ambry Genetics
Classification: Uncertain significance for Hereditary cancer-predisposing syndrome. Last evaluated: 2026-08-20. Review status: criteria provided, single submitter. Criteria: Ambry Variant Classification Scheme 2023. Collection method: clinical testing. Allele origin: germline.
Comment: The p.V155L variant (also known as c.463G>C), located in coding exon 6 of the SDHC gene, results from a G to C substitution at nucleotide position 463. The valine at codon 155 is replaced by leucine, an amino acid with highly similar properties. This amino acid position is highly conserved in available vertebrate species. In addition, this alteration is predicted to be deleterious by in silico analysis. Based on the available evidence, the clinical significance of this variant remains unclear.

NM_003001.5(SDHC):c.463G>C (p.Val155Leu)

Gene: SDHC (succinate dehydrogenase complex subunit C; plus strand). Cytogenetic location: 1q23.3.
Variant type: single nucleotide variant.
Coding change: c.463G>C on transcript NM_003001.5 (MANE Select); coding-DNA position 463, G replaced by C.
Protein change: p.Val155Leu; replaces valine 155 with leucine.
Molecular consequence: missense variant. On other transcripts: non-coding transcript variant (1).
Genome position (GRCh38, 1-based): chr1:161,362,386, G>C. VCF-style: chr1-161362386-G-C. GRCh37 (hg19) VCF-style: chr1-161332176-G-C.
Other names: c.299G>C, p.Cys100Ser (NM_001035511.3); c.361G>C, p.Val121Leu (NM_001035512.3); c.304G>C, p.Val102Leu (NM_001035513.3); c.197G>C, p.Cys66Ser (NM_001278172.3); c.583G>C, p.Val195Leu (NM_001407115.1); c.406G>C, p.Val136Leu (NM_001407116.1); c.400G>C, p.Val134Leu (NM_001407117.1); c.355G>C, p.Val119Leu (NM_001407118.1); and 2 more; short protein forms V118L, V134L, C66S, C81S, V102L, V119L, V121L, V136L.
Identifiers: ClinVar variation 2625083 (VCV002625083.3), dbSNP rs2102385579, ClinGen allele CA343457817.